The following is an entry in ClinVar:

ClinVar aggregate classification (germline): Uncertain significance (1 of 4 stars; one submission).

Submission:

GeneDx
Classification: Uncertain significance. Last evaluated: 2022-10-06. Review status: criteria provided, single submitter. Criteria: GeneDx Variant Classification Process June 2021. Collection method: clinical testing. Allele origin: germline. Affected: yes.
Comment: Not observed at significant frequency in large population cohorts (gnomAD); In silico analysis supports that this missense variant does not alter protein structure/function; Has not been previously published as pathogenic or benign to our knowledge; This variant is associated with the following publications: (PMID: 21529752)

NM_017668.3(NDE1):c.722G>C (p.Gly241Ala)

Gene: NDE1 (nudE neurodevelopment protein 1; plus strand). Cytogenetic location: 16p13.11.
Variant type: single nucleotide variant.
Coding change: c.722G>C on transcript NM_017668.3 (MANE Select); coding-DNA position 722, G replaced by C.
Protein change: p.Gly241Ala; replaces glycine 241 with alanine.
Molecular consequence: missense variant.
Genome position (GRCh38, 1-based): chr16:15,694,183, G>C. VCF-style: chr16-15694183-G-C. GRCh37 (hg19) VCF-style: chr16-15788040-G-C.
Other names: c.722G>C, p.Gly241Ala (NM_001143979.2); short protein forms G241A.
Identifiers: ClinVar variation 2497842 (VCV002497842.1), dbSNP rs1337796016, ClinGen allele CA394857748.